The following is an entry in ClinVar:

ClinVar aggregate classification (germline): Uncertain significance (1 of 4 stars; one submission).

Allele frequency attached by ClinVar (database versions not stated): ExAC 0.00002; gnomAD exomes 0.00002; gnomAD 0.00003 and 0.00004; TOPMed 0.00003.
gnomAD v4.1: 32 of 1,613,990 alleles (0.002%); highest among the groups gnomAD compares: Admixed American, 0.0067%; no homozygotes.

Submission:

Labcorp Genetics (formerly Invitae), Labcorp
Classification: Uncertain significance. Last evaluated: 2022-08-23. Review status: criteria provided, single submitter. Criteria: Invitae Variant Classification Sherloc (09022015). Collection method: clinical testing. Allele origin: germline.
Comment: In summary, the available evidence is currently insufficient to determine the role of this variant in disease. Therefore, it has been classified as a Variant of Uncertain Significance. Algorithms developed to predict the effect of missense changes on protein structure and function are either unavailable or do not agree on the potential impact of this missense change (SIFT: "Tolerated"; PolyPhen-2: "Possibly Damaging"; Align-GVGD: "Class C0"). ClinVar contains an entry for this variant (Variation ID: 1360734). This variant has not been reported in the literature in individuals affected with INPPL1-related conditions. This variant is present in population databases (rs755089930, gnomAD 0.004%). This sequence change replaces arginine, which is basic and polar, with histidine, which is basic and polar, at codon 372 of the INPPL1 protein (p.Arg372His).

NM_001567.4(INPPL1):c.1115G>A (p.Arg372His)

Gene: INPPL1 (inositol polyphosphate phosphatase like 1; plus strand). Cytogenetic location: 11q13.4.
Variant type: single nucleotide variant.
Coding change: c.1115G>A on transcript NM_001567.4 (MANE Select); coding-DNA position 1115, G replaced by A.
Protein change: p.Arg372His; replaces arginine 372 with histidine.
Molecular consequence: missense variant.
Genome position (GRCh38, 1-based): chr11:72,230,386, G>A. VCF-style: chr11-72230386-G-A. GRCh37 (hg19) VCF-style: chr11-71941430-G-A.
Other names: short protein forms R372H.
Identifiers: ClinVar variation 1360734 (VCV001360734.6), dbSNP rs755089930, ClinGen allele CA6169917.